The following is an entry in ClinVar:

ClinVar aggregate classification (germline): Uncertain significance. Review status: criteria provided, multiple submitters, no conflicts (2 of 4 stars). 5 submissions from 5 submitters: Uncertain significance (5). Last evaluated 2025-03-24.

Conditions:
Cardiovascular phenotype. Identifiers: MedGen CN230736.
Desmin-related myofibrillar myopathy (MFM1). Also called: Desmin related myopathy (former name); Desmin storage myopathy (former name); MYOFIBRILLAR MYOPATHY WITH ARRHYTHMOGENIC RIGHT VENTRICULAR CARDIOMYOPATHY; DESMIN-RELATED MYOPATHY WITH ARRHYTHMOGENIC RIGHT VENTRICULAR CARDIOMYOPATHY; Desminopathy; Myofibrillar myopathy 1. Identifiers: Orphanet 363543, Orphanet 98909, MedGen C1832370, MONDO:0011076, OMIM 601419.

Allele frequency attached by ClinVar (database versions not stated): TOPMed below 0.00001; ExAC 0.00001; gnomAD 0.00001; gnomAD exomes 0.00001; ESP Exome Variant Server 0.00008.
gnomAD v4.1: 6 of 1,613,948 alleles (0.00037%); highest among the groups gnomAD compares: Admixed American, 0.005%; no homozygotes.

Submissions (5):

GeneDx
Classification: Uncertain significance. Last evaluated: 2025-03-24. Review status: criteria provided, single submitter. Criteria: GeneDx Variant Classification Process June 2021. Collection method: clinical testing. Allele origin: germline. Affected: yes.
Comment: Not observed at significant frequency in large population cohorts (gnomAD); In silico analysis supports that this missense variant does not alter protein structure/function; Has not been previously published as pathogenic or benign to our knowledge; This variant is associated with the following publications: (PMID: 26807690)

Labcorp Genetics (formerly Invitae), Labcorp
Classification: Uncertain significance for Desmin-related myofibrillar myopathy. Last evaluated: 2024-10-03. Review status: criteria provided, single submitter. Criteria: Invitae Variant Classification Sherloc (09022015). Collection method: clinical testing. Allele origin: germline.
Comment: This sequence change replaces alanine, which is neutral and non-polar, with valine, which is neutral and non-polar, at codon 368 of the DES protein (p.Ala368Val). This variant is present in population databases (rs371830218, gnomAD 0.007%). This variant has not been reported in the literature in individuals affected with DES-related conditions. ClinVar contains an entry for this variant (Variation ID: 846623). Invitae Evidence Modeling of protein sequence and biophysical properties (such as structural, functional, and spatial information, amino acid conservation, physicochemical variation, residue mobility, and thermodynamic stability) has been performed for this missense variant. However, the output from this modeling did not meet the statistical confidence thresholds required to predict the impact of this variant on DES protein function. In summary, the available evidence is currently insufficient to determine the role of this variant in disease. Therefore, it has been classified as a Variant of Uncertain Significance.

Ambry Genetics
Classification: Uncertain significance for Cardiovascular phenotype. Last evaluated: 2021-12-20. Review status: criteria provided, single submitter. Criteria: Ambry Variant Classification Scheme 2023. Collection method: clinical testing. Allele origin: germline.
Comment: The p.A368V variant (also known as c.1103C>T), located in coding exon 6 of the DES gene, results from a C to T substitution at nucleotide position 1103. The alanine at codon 368 is replaced by valine, an amino acid with similar properties. This amino acid position is not well conserved in available vertebrate species. In addition, the in silico prediction for this alteration is inconclusive. Since supporting evidence is limited at this time, the clinical significance of this alteration remains unclear.

Revvity Omics, Revvity
Classification: Uncertain significance. Last evaluated: 2020-03-27. Review status: criteria provided, single submitter. Criteria: ACMG Guidelines, 2015. Collection method: clinical testing. Allele origin: germline.

Breakthrough Genomics
Classification: Uncertain significance. Review status: criteria provided, single submitter. Criteria: ACMG Guidelines, 2015. Collection method: not provided. Allele origin: germline. Inheritance: Autosomal recessive inheritance. Affected: yes.

NM_001927.4(DES):c.1103C>T (p.Ala368Val)

Gene: DES (desmin; plus strand). Cytogenetic location: 2q35.
Variant type: single nucleotide variant.
Coding change: c.1103C>T on transcript NM_001927.4 (MANE Select); coding-DNA position 1103, C replaced by T.
Protein change: p.Ala368Val; replaces alanine 368 with valine.
Molecular consequence: missense variant.
Genome position (GRCh38, 1-based): chr2:219,421,419, C>T. VCF-style: chr2-219421419-C-T. GRCh37 (hg19) VCF-style: chr2-220286141-C-T.
Other names: short protein forms A368V.
Identifiers: ClinVar variation 846623 (VCV000846623.15), dbSNP rs371830218, ClinGen allele CA2125241.